The following is an entry in ClinVar:

ClinVar aggregate classification (germline): Uncertain significance. Review status: criteria provided, multiple submitters, no conflicts (2 of 4 stars). 2 submissions from 2 submitters: Uncertain significance (2). Last evaluated 2025-10-28.

Conditions:
SEMA3D-related disorder. Also called: SEMA3D-related condition.

gnomAD v4.1: 5 of 1,608,056 alleles (0.00031%); highest among the groups gnomAD compares: African/African-American, 0.0054%; no homozygotes.

Submissions (2):

PreventionGenetics, part of Exact Sciences
Classification: Uncertain significance for SEMA3D-related condition. Last evaluated: 2025-10-28. Review status: criteria provided, single submitter. Criteria: ACMG Guidelines, 2015. Collection method: clinical testing. Allele origin: germline.
Comment: The SEMA3D c.61G>T variant is predicted to result in the amino acid substitution p.Ala21Ser. To our knowledge, this variant has not been reported in the literature. This variant is reported in 0.0030% of alleles in individuals of Latino descent in gnomAD. At this time, the clinical significance of this variant is uncertain due to the absence of conclusive functional and genetic evidence.

Ambry Genetics
Classification: Uncertain significance. Last evaluated: 2025-05-20. Review status: criteria provided, single submitter. Criteria: Ambry Variant Classification Scheme 2023. Collection method: clinical testing. Allele origin: germline.

NM_001384900.1(SEMA3D):c.61G>T (p.Ala21Ser)

Gene: SEMA3D (semaphorin 3D; minus strand). Cytogenetic location: 7q21.11.
Variant type: single nucleotide variant.
Coding change: c.61G>T on transcript NM_001384900.1 (MANE Select); coding-DNA position 61, G replaced by T.
Protein change: p.Ala21Ser; replaces alanine 21 with serine.
Molecular consequence: missense variant.
Genome position (GRCh38, 1-based): chr7:85,121,831, C>A on the plus strand (G>T on the coding strand, the complement: SEMA3D is on the minus strand). VCF-style: chr7-85121831-C-A. GRCh37 (hg19) VCF-style: chr7-84751147-C-A.
Other names: c.61G>T, p.Ala21Ser (NM_152754.3, NM_001384901.1, NM_001384902.1 and 1 more transcripts); short protein forms A21S.
Identifiers: ClinVar variation 3356929 (VCV003356929.3).
Genomic context (GRCh38, chr7:85,121,831, plus strand): 5'-TTTGCTTCAAAGTGCCAGTGACTGGAAGAAACAACATGGTCATGCTTAGCATCATCAAAG[C>A]AGGAAAAAGGTGAAAATCTTGGCTTCTGGCTTTAAGTCTTTCATCTTTATTAGCATTCAT-3'
Protein context (NP_001371829.1, residues 11-31): ARSQDFHLFP[Ala21Ser]LMMLSMTMLF